The following is an entry in ClinVar:

NM_001242896.3(DEPDC5):c.4689_4690del (p.Gly1564_Asp1565insTer)

Gene: DEPDC5 (DEP domain containing 5, GATOR1 subcomplex subunit; plus strand). Cytogenetic location: 22q12.3.
Variant type: Deletion.
Coding change: c.4689_4690del on transcript NM_001242896.3 (MANE Select); coding-DNA positions 4689 to 4690, 2 bases deleted (AG; older notation c.4689_4690delAG).
Protein change: p.Gly1564_Asp1565insTer.
Molecular consequence: frameshift variant. On other transcripts: non-coding transcript variant (5).
Genome position (GRCh38, 1-based): chr22:31,906,374-31,906,375, AG deleted. VCF-style (leftmost placement, unchanged base first): chr22-31906373-CAG-C. GRCh37 (hg19) VCF-style: chr22-32302359-CAG-C.
Other names: c.4689_4690del (NM_001242896.1); c.4662_4663del, p.Gly1555_Asp1556insTer (NM_001136029.4); c.4389_4390del, p.Gly1464_Asp1465insTer (NM_001242897.2); c.4623_4624del, p.Gly1542_Asp1543insTer (NM_001363852.2, NM_001364320.2); c.4455_4456del, p.Gly1486_Asp1487insTer (NM_001363854.2, NM_001364319.2); c.4689_4690del, p.Gly1564_Asp1565insTer (NM_001364318.2); c.4605_4606del, p.Gly1536_Asp1537insTer (NM_001369901.1, NM_001369902.1); c.4596_4597del, p.Gly1533_Asp1534insTer (NM_001369903.1, NM_014662.6).
Identifiers: ClinVar variation 1453093 (VCV001453093.14), dbSNP rs2149449670, ClinGen allele CA2573158060.

ClinVar aggregate classification (germline): Pathogenic/Likely pathogenic. Review status: criteria provided, multiple submitters, no conflicts (2 of 4 stars). 3 submissions from 3 submitters: Pathogenic (2); Likely pathogenic (1). Last evaluated 2025-12-05.

Conditions:
Familial focal epilepsy with variable foci (FPEVF). Identifiers: Orphanet 98820, MedGen C1858477, MONDO:0020310.
Familial sleep-related hypermotor epilepsy. Also called: Autosomal Dominant Sleep-Related Hypermotor (Hyperkinetic) Epilepsy. Identifiers: Orphanet 98784, MedGen C3696898, MONDO:0000030.

Submissions (3):

Labcorp Genetics (formerly Invitae), Labcorp
Classification: Pathogenic for Familial focal epilepsy with variable foci. Last evaluated: 2025-12-05. Review status: criteria provided, single submitter. Criteria: Invitae Variant Classification Sherloc (09022015). Collection method: clinical testing. Allele origin: germline.
Comment: This sequence change creates a premature translational stop signal (p.Asp1565*) in the DEPDC5 gene. While this is not anticipated to result in nonsense mediated decay, it is expected to disrupt the last 39 amino acid(s) of the DEPDC5 protein. This variant is not present in population databases (gnomAD no frequency). This premature translational stop signal has been observed in individual(s) with clinical features of DEPDC5-related conditions (PMID: 28549235). In at least one individual the variant was observed to be de novo. This variant is also known as c.4662_4663delAG p.D1556*. ClinVar contains an entry for this variant (Variation ID: 1453093). Algorithms developed to predict the effect of variants on gene product structure and function are not available or were not evaluated for this variant. Experimental studies have shown that this premature translational stop signal affects DEPDC5 function (PMID: 31639411). For these reasons, this variant has been classified as Pathogenic.

Unidad de Genómica Garrahan, Hospital de Pediatría Garrahan
Classification: Likely pathogenic for Familial sleep-related hypermotor epilepsy. Last evaluated: 2025-06-04. Review status: criteria provided, single submitter. Criteria: ACMG Guidelines, 2015. Collection method: clinical testing. Allele origin: paternal. Inheritance: Autosomal dominant inheritance. Affected: yes. Observed: 1 variant allele, 1 heterozygote.
Comment: PS3_moderate, PS4_moderate, PVS1_moderate, PM6_moderate, PM2_moderate.

GeneDx
Classification: Pathogenic. Last evaluated: 2024-05-04. Review status: criteria provided, single submitter. Criteria: GeneDx Variant Classification Process June 2021. Collection method: clinical testing. Allele origin: germline. Affected: yes.
Comment: Published functional studies demonstrate a damaging effect on protein expression levels and ability to repress mTORC1 (PMID: 31639411); Nonsense variant predicted to result in protein truncation, as the last 39 amino acids are lost, and other loss-of-function variants have been reported downstream; Not observed at significant frequency in large population cohorts (gnomAD); Also known as c.4689_4690del p.(D1565*) and c.4662_4663del p.(D1556*) using alternative transcripts; This variant is associated with the following publications: (PMID: 3, 29359340, 30093711, 28549235, 31639411)

Literature cited by the submitters: PubMed 28549235 (cited by Labcorp Genetics (formerly Invitae), Labcorp); PubMed 31639411 (cited by Labcorp Genetics (formerly Invitae), Labcorp).